The following is an entry in ClinVar:

ClinVar aggregate classification (germline): Likely benign (1 of 4 stars; one submission).

Allele frequency attached by ClinVar (database versions not stated): gnomAD 0.00433 and 0.00455; 1000 Genomes Project 30x 0.00453; 1000 Genomes Project 0.00499; TOPMed 0.00503.
gnomAD v4.1: 651 of 152,126 alleles (0.43%); highest among the groups gnomAD compares: African/African-American, 1.3%; 3 homozygotes.

Submission:

GeneDx
Classification: Likely benign. Last evaluated: 2018-06-19. Review status: criteria provided, single submitter. Criteria: GeneDx Variant Classification (06012015). Collection method: clinical testing. Allele origin: germline. Affected: yes.
Comment: This variant is considered likely benign or benign based on one or more of the following criteria: it is a conservative change, it occurs at a poorly conserved position in the protein, it is predicted to be benign by multiple in silico algorithms, and/or has population frequency not consistent with disease.

NM_000540.3(RYR1):c.12013-171C>A

Gene: RYR1 (ryanodine receptor 1; plus strand). Cytogenetic location: 19q13.2.
Variant type: single nucleotide variant.
Coding change: c.12013-171C>A on transcript NM_000540.3 (MANE Select); 171 bases into the intron before coding-DNA position 12013, C replaced by A.
Molecular consequence: intron variant.
Genome position (GRCh38, 1-based): chr19:38,546,274, C>A. VCF-style: chr19-38546274-C-A. GRCh37 (hg19) VCF-style: chr19-39036914-C-A.
Other names: c.11998-171C>A (NM_001042723.2).
Identifiers: ClinVar variation 683919 (VCV000683919.1), dbSNP rs149798609, ClinGen allele CA308093833.